The following is an entry in ClinVar:

NM_000260.4(MYO7A):c.4442-1G>C

Gene: MYO7A (myosin VIIA; plus strand). Cytogenetic location: 11q13.5.
Variant type: single nucleotide variant.
Coding change: c.4442-1G>C on transcript NM_000260.4 (MANE Select); the canonical splice acceptor site of the intron before coding-DNA position 4442, G replaced by C.
Molecular consequence: splice acceptor variant.
Genome position (GRCh38, 1-based): chr11:77,198,494, G>C. VCF-style: chr11-77198494-G-C. GRCh37 (hg19) VCF-style: chr11-76909539-G-C.
Other names: c.4409-1G>C (NM_001369365.1); c.4442-1G>C (NM_001127180.2).
Identifiers: ClinVar variation 546685 (VCV000546685.50), dbSNP rs1485456037, ClinGen allele CA381950200.

ClinVar aggregate classification (germline): Pathogenic/Likely pathogenic. Review status: criteria provided, multiple submitters, no conflicts (2 of 4 stars). 3 submissions from 3 submitters: Pathogenic (1); Likely pathogenic (2). Last evaluated 2022-05-11.

Conditions:
Hearing impairment. Also called: Impaired Hearing. Identifiers: MedGen C1384666, MONDO:0005365, HP:0000365.

Allele frequency attached by ClinVar (database versions not stated): gnomAD exomes below 0.00001.

Submissions (3):

Labcorp Genetics (formerly Invitae), Labcorp
Classification: Likely pathogenic. Last evaluated: 2022-05-11. Review status: criteria provided, single submitter. Criteria: Invitae Variant Classification Sherloc (09022015). Collection method: clinical testing. Allele origin: germline.
Comment: In summary, the currently available evidence indicates that the variant is pathogenic, but additional data are needed to prove that conclusively. Therefore, this variant has been classified as Likely Pathogenic. Algorithms developed to predict the effect of sequence changes on RNA splicing suggest that this variant may disrupt the consensus splice site. ClinVar contains an entry for this variant (Variation ID: 546685). Disruption of this splice site has been observed in individual(s) with Usher syndrome (PMID: 21873662). This variant is present in population databases (no rsID available, gnomAD 0.0009%). This sequence change affects an acceptor splice site in intron 33 of the MYO7A gene. It is expected to disrupt RNA splicing. Variants that disrupt the donor or acceptor splice site typically lead to a loss of protein function (PMID: 16199547), and loss-of-function variants in MYO7A are known to be pathogenic (PMID: 8900236, 25404053).

Department of Otolaryngology – Head & Neck Surgery, Cochlear Implant Center
Classification: Pathogenic for Hearing impairment. Last evaluated: 2021-04-12. Review status: criteria provided, single submitter. Criteria: ClinGen HL ACMG Specifications v1. Collection method: clinical testing. Allele origin: germline. Affected: yes.
Comment: PVS1_Strong, PM2_Strong

CeGaT Center for Human Genetics Tuebingen
Classification: Likely pathogenic. Last evaluated: 2018-05-01. Review status: criteria provided, single submitter. Criteria: CeGaT Center For Human Genetics Tuebingen Variant Classification Criteria Version 2. Collection method: clinical testing. Allele origin: germline. Affected: yes. Observed: 3 variant alleles.

Literature cited by the submitters: PubMed 21873662 (cited by Labcorp Genetics (formerly Invitae), Labcorp); PubMed 16199547 (cited by Labcorp Genetics (formerly Invitae), Labcorp); PubMed 8900236 (cited by Labcorp Genetics (formerly Invitae), Labcorp); PubMed 25404053 (cited by Labcorp Genetics (formerly Invitae), Labcorp).